The following is an entry in ClinVar:

NM_013339.4(ALG6):c.*844T>C

Gene: ALG6 (ALG6 alpha-1,3-glucosyltransferase; plus strand). Cytogenetic location: 1p31.3.
Variant type: single nucleotide variant.
Coding change: c.*844T>C on transcript NM_013339.4 (MANE Select); 844 bases downstream of the stop codon, T replaced by C.
Molecular consequence: 3 prime UTR variant.
Genome position (GRCh38, 1-based): chr1:63,437,864, T>C. VCF-style: chr1-63437864-T-C. GRCh37 (hg19) VCF-style: chr1-63903535-T-C.
Other names: c.*844T>C (LRG_1260t1).
Identifiers: ClinVar variation 297861 (VCV000297861.6), dbSNP rs2884922, ClinGen allele CA10610231.
Genomic context (GRCh38, chr1:63,437,864, plus strand): 5'-AAACATTATATTATATATATATTATTATTGACATGGTTCAGGGTTACCACTGCCAGAGCA[T>C]TGATTCATGTTAACTTCATCCTATTAATACTGTATCACCCTGTATTAGCAGAAGCCAATA-3'

ClinVar aggregate classification (germline): Benign. Review status: criteria provided, multiple submitters, no conflicts (2 of 4 stars). 2 submissions from 2 submitters: Benign (2). Last evaluated 2018-01-12.

Conditions:
ALG6-congenital disorder of glycosylation 1C (CDG1C). Also called: CDG Ic; CARBOHYDRATE-DEFICIENT GLYCOPROTEIN SYNDROME, TYPE I, WITH DEFICIENT GLYCOSYLATION OF DOLICHOL-LINKED OLIGOSACCHARIDE; CARBOHYDRATE-DEFICIENT GLYCOPROTEIN SYNDROME, TYPE V; Congenital disorder of glycosylation type 1C; Congenital disorder of glycosylation, type Ic. Identifiers: Orphanet 79320, MedGen C2930997, MONDO:0011291, OMIM 603147.

Allele frequency attached by ClinVar (database versions not stated): gnomAD 0.02229 and 0.02393; TOPMed 0.02540; 1000 Genomes Project 0.02696; 1000 Genomes Project 30x 0.02780.

Submissions (2):

Illumina Laboratory Services, Illumina
Classification: Benign for ALG6-congenital disorder of glycosylation 1C. Last evaluated: 2018-01-12. Review status: criteria provided, single submitter. Criteria: ICSL Variant Classification Criteria 13 December 2019. Collection method: clinical testing. Allele origin: germline.
Comment: This variant was observed in the ICSL laboratory as part of a predisposition screen in an ostensibly healthy population. It had not been previously curated by ICSL or reported in the Human Gene Mutation Database (HGMD: prior to June 1st, 2018), and was therefore a candidate for classification through an automated scoring system. Utilizing variant allele frequency, disease prevalence and penetrance estimates, and inheritance mode, an automated score was calculated to assess if this variant is too frequent to cause the disease. Based on the score and internal cut-off values, a variant classified as benign is not then subjected to further curation. The score for this variant resulted in a classification of benign for this disease.

Breakthrough Genomics
Classification: Benign. Review status: criteria provided, single submitter. Criteria: ACMG Guidelines, 2015. Collection method: not provided. Allele origin: germline. Inheritance: Autosomal recessive inheritance. Affected: yes.